The following is an entry in ClinVar:

ClinVar aggregate classification (germline): Uncertain significance. Review status: criteria provided, multiple submitters, no conflicts (2 of 4 stars). 2 submissions from 2 submitters: Uncertain significance (2). Last evaluated 2025-07-16.

Conditions:
Inborn genetic diseases. Identifiers: MedGen C0950123, MeSH D030342.
Norman-Roberts syndrome (LIS2). Also called: Lissencephaly 2 (Norman-Roberts type). Identifiers: Orphanet 89844, MedGen C0796089, MONDO:0009760, OMIM 257320.
Familial temporal lobe epilepsy 7. Identifiers: Orphanet 101046, MedGen C4225327, MONDO:0014639, OMIM 616436.

Allele frequency attached by ClinVar (database versions not stated): ExAC 0.00001; gnomAD 0.00001; gnomAD exomes 0.00001.
gnomAD v4.1: 18 of 1,613,762 alleles (0.0011%); highest among the groups gnomAD compares: Non-Finnish European, 0.0014%; no homozygotes.

Submissions (2):

Ambry Genetics
Classification: Uncertain significance for Inborn genetic diseases. Last evaluated: 2025-07-16. Review status: criteria provided, single submitter. Criteria: Ambry Variant Classification Scheme 2023. Collection method: clinical testing. Allele origin: germline.

Labcorp Genetics (formerly Invitae), Labcorp
Classification: Uncertain significance for Familial temporal lobe epilepsy 7; Norman-Roberts syndrome. Last evaluated: 2024-06-02. Review status: criteria provided, single submitter. Criteria: Invitae Variant Classification Sherloc (09022015). Collection method: clinical testing. Allele origin: germline.
Comment: This sequence change replaces tyrosine, which is neutral and polar, with cysteine, which is neutral and slightly polar, at codon 1793 of the RELN protein (p.Tyr1793Cys). This variant is present in population databases (rs775962499, gnomAD 0.002%). This variant has not been reported in the literature in individuals affected with RELN-related conditions. ClinVar contains an entry for this variant (Variation ID: 1492597). Advanced modeling of protein sequence and biophysical properties (such as structural, functional, and spatial information, amino acid conservation, physicochemical variation, residue mobility, and thermodynamic stability) performed at Invitae indicates that this missense variant is not expected to disrupt RELN protein function with a negative predictive value of 80%. In summary, the available evidence is currently insufficient to determine the role of this variant in disease. Therefore, it has been classified as a Variant of Uncertain Significance.

NM_005045.4(RELN):c.5378A>G (p.Tyr1793Cys)

Gene: RELN (reelin; minus strand). Cytogenetic location: 7q22.1.
Variant type: single nucleotide variant.
Coding change: c.5378A>G on transcript NM_005045.4 (MANE Select); coding-DNA position 5378, A replaced by G.
Protein change: p.Tyr1793Cys; replaces tyrosine 1793 with cysteine.
Molecular consequence: missense variant.
Genome position (GRCh38, 1-based): chr7:103,561,683, T>C on the plus strand (A>G on the coding strand, the complement: RELN is on the minus strand). VCF-style: chr7-103561683-T-C. GRCh37 (hg19) VCF-style: chr7-103202130-T-C.
Other names: c.5378A>G (NM_005045.3); c.5378A>G, p.Tyr1793Cys (NM_173054.3); short protein forms Y1793C.
Identifiers: ClinVar variation 1492597 (VCV001492597.7), dbSNP rs775962499, ClinGen allele CA4421216.